The following is an entry in ClinVar:

NM_001292063.2(OTOG):c.8018C>T (p.Ala2673Val)

Gene: OTOG (otogelin; plus strand). Cytogenetic location: 11p15.1.
Variant type: single nucleotide variant.
Coding change: c.8018C>T on transcript NM_001292063.2 (MANE Select); coding-DNA position 8018, C replaced by T.
Protein change: p.Ala2673Val; replaces alanine 2673 with valine.
Molecular consequence: missense variant.
Genome position (GRCh38, 1-based): chr11:17,640,919, C>T. VCF-style: chr11-17640919-C-T. GRCh37 (hg19) VCF-style: chr11-17662466-C-T.
Other names: c.8054C>T, p.Ala2685Val (NM_001277269.2); short protein forms A2673V, A2685V.
Identifiers: ClinVar variation 3619958 (VCV003619958.2).

ClinVar aggregate classification (germline): Uncertain significance (1 of 4 stars; one submission).

gnomAD v4.1: 3 of 1,548,124 alleles (0.00019%); highest among the groups gnomAD compares: South Asian, 0.0024%; no homozygotes.

Submission:

Labcorp Genetics (formerly Invitae), Labcorp
Classification: Uncertain significance. Last evaluated: 2024-04-15. Review status: criteria provided, single submitter. Criteria: Invitae Variant Classification Sherloc (09022015). Collection method: clinical testing. Allele origin: germline.
Comment: This sequence change replaces alanine, which is neutral and non-polar, with valine, which is neutral and non-polar, at codon 2685 of the OTOG protein (p.Ala2685Val). This variant is not present in population databases (gnomAD no frequency). This variant has not been reported in the literature in individuals affected with OTOG-related conditions. An algorithm developed to predict the effect of missense changes on protein structure and function (PolyPhen-2) suggests that this variant is likely to be disruptive. In summary, the available evidence is currently insufficient to determine the role of this variant in disease. Therefore, it has been classified as a Variant of Uncertain Significance.